The following is an entry in ClinVar:

ClinVar aggregate classification (germline): Uncertain significance (1 of 4 stars; one submission).

Submission:

Labcorp Genetics (formerly Invitae), Labcorp
Classification: Uncertain significance. Last evaluated: 2025-10-09. Review status: criteria provided, single submitter. Criteria: Invitae Variant Classification Sherloc (09022015). Collection method: clinical testing. Allele origin: germline.
Comment: This sequence change replaces glutamine, which is neutral and polar, with proline, which is neutral and non-polar, at codon 267 of the TAOK2 protein (p.Gln267Pro). This variant is not present in population databases (gnomAD no frequency). This variant has not been reported in the literature in individuals affected with TAOK2-related conditions. An algorithm developed to predict the effect of missense changes on protein structure and function (PolyPhen-2) suggests that this variant is likely to be disruptive. In summary, the available evidence is currently insufficient to determine the role of this variant in disease. Therefore, it has been classified as a Variant of Uncertain Significance.

NM_016151.4(TAOK2):c.800A>C (p.Gln267Pro)

Gene: TAOK2 (TAO kinase 2; plus strand). Cytogenetic location: 16p11.2.
Variant type: single nucleotide variant.
Coding change: c.800A>C on transcript NM_016151.4 (MANE Select); coding-DNA position 800, A replaced by C.
Protein change: p.Gln267Pro; replaces glutamine 267 with proline.
Molecular consequence: missense variant.
Genome position (GRCh38, 1-based): chr16:29,981,909, A>C. VCF-style: chr16-29981909-A-C. GRCh37 (hg19) VCF-style: chr16-29993230-A-C.
Other names: c.800A>C, p.Gln267Pro (NM_001252043.2, NM_004783.4); short protein forms Q267P.
Identifiers: ClinVar variation 4728849 (VCV004728849.1).